The following is an entry in ClinVar:

NM_001037283.2(EIF3B):c.1232C>A (p.Thr411Lys)

Gene: EIF3B (eukaryotic translation initiation factor 3 subunit B; plus strand). Cytogenetic location: 7p22.3.
Variant type: single nucleotide variant.
Coding change: c.1232C>A on transcript NM_001037283.2 (MANE Select); coding-DNA position 1232, C replaced by A.
Protein change: p.Thr411Lys; replaces threonine 411 with lysine.
Molecular consequence: missense variant.
Genome position (GRCh38, 1-based): chr7:2,366,391, C>A. VCF-style: chr7-2366391-C-A. GRCh37 (hg19) VCF-style: chr7-2406026-C-A.
Other names: c.1232C>A, p.Thr411Lys (NM_001362791.2, NM_003751.4); c.416C>A, p.Thr139Lys (NM_001362792.2, NM_001362793.2); short protein forms T139K, T411K.
Identifiers: ClinVar variation 5017750 (VCV005017750.1).

ClinVar aggregate classification (germline): Uncertain significance (1 of 4 stars; one submission).

Submission:

GeneDx
Classification: Uncertain significance. Last evaluated: 2026-03-30. Review status: criteria provided, single submitter. Criteria: GeneDx Variant Classification Process June 2021. Collection method: clinical testing. Allele origin: germline.
Comment: Not observed at significant frequency in large population cohorts (gnomAD); In silico analysis supports that this missense variant has a deleterious effect on protein structure/function; Has not been previously published as pathogenic or benign to our knowledge